The following is an entry in ClinVar:

NM_006015.6(ARID1A):c.4114C>T (p.Pro1372Ser)

Gene: ARID1A (AT-rich interaction domain 1A; plus strand). Cytogenetic location: 1p36.11.
Variant type: single nucleotide variant.
Coding change: c.4114C>T on transcript NM_006015.6 (MANE Select); coding-DNA position 4114, C replaced by T.
Protein change: p.Pro1372Ser; replaces proline 1372 with serine.
Molecular consequence: missense variant. On other transcripts: intron variant (1).
Genome position (GRCh38, 1-based): chr1:26,774,341, C>T. VCF-style: chr1-26774341-C-T. GRCh37 (hg19) VCF-style: chr1-27100832-C-T.
Other names: c.4101+443C>T (NM_139135.4); short protein forms P1372S.
Identifiers: ClinVar variation 2638536 (VCV002638536.28), dbSNP rs745873673, ClinGen allele CA707421.
Genomic context (GRCh38, chr1:26,774,341, plus strand): 5'-TCCCTGAGTGCAGAGTATTAACTTCCCCTCTGCTTGTCTCTGCCTTAGAATTACAAGCGG[C>T]CAATGGATGGCACATATGGCCCTCCTGCCAAGCGGCACGAAGGGGAGATGTACAGCGTGC-3'
Protein context (NP_006006.3, residues 1362-1382): YQQQQQNYKR[Pro1372Ser]MDGTYGPPAK

ClinVar aggregate classification (germline): Conflicting classifications of pathogenicity. Review status: criteria provided, conflicting classifications (1 of 4 stars). 3 submissions from 3 submitters: Uncertain significance (1); Likely benign (2). Last evaluated 2025-08-08.

Allele frequency attached by ClinVar (database versions not stated): TOPMed 0.00001.
gnomAD v4.1: 32 of 1,540,252 alleles (0.0021%); highest among the groups gnomAD compares: South Asian, 0.039%; no homozygotes.

Submissions (3):

Labcorp Genetics (formerly Invitae), Labcorp
Classification: Likely benign. Last evaluated: 2025-08-08. Review status: criteria provided, single submitter. Criteria: Invitae Variant Classification Sherloc (09022015). Collection method: clinical testing. Allele origin: germline.

CeGaT Center for Human Genetics Tuebingen
Classification: Uncertain significance. Last evaluated: 2023-02-01. Review status: criteria provided, single submitter. Criteria: CeGaT Center For Human Genetics Tuebingen Variant Classification Criteria Version 2. Collection method: clinical testing. Allele origin: germline. Affected: yes. Observed: 1 variant allele.
Comment: ARID1A: PM2:Supporting, PP2

Blueprint Genetics
Classification: Likely benign. Last evaluated: 2019-11-19. Review status: criteria provided, single submitter. Criteria: ACMG Guidelines, 2015. Collection method: clinical testing. Allele origin: germline.